The following is an entry in ClinVar:

ClinVar aggregate classification (germline): Pathogenic (1 of 4 stars; one submission).

Conditions:
Cerebral cavernous malformation (CCM). Also called: CAVERNOUS ANGIOMATOUS MALFORMATIONS; CEREBRAL CAPILLARY MALFORMATIONS; Cerebral cavernous malformations; Cerebral cavernous hemangioma (type); CAVERNOUS ANGIOMA, FAMILIAL; Cavernous Hemangioma of Brain. Identifiers: Orphanet 221061, MedGen C2919945, MONDO:0000820, OMIM 116860, HP:0033522.

Submission:

Labcorp Genetics (formerly Invitae), Labcorp
Classification: Pathogenic for Cerebral cavernous malformation. Last evaluated: 2024-06-25. Review status: criteria provided, single submitter. Criteria: Invitae Variant Classification Sherloc (09022015). Collection method: clinical testing. Allele origin: germline.
Comment: This sequence change affects a donor splice site in intron 5 of the KRIT1 gene. It is expected to disrupt RNA splicing. Variants that disrupt the donor or acceptor splice site typically lead to a loss of protein function (PMID: 16199547), and loss-of-function variants in KRIT1 are known to be pathogenic (PMID: 10508515, 11222804, 12404106, 24689081). This variant is not present in population databases (gnomAD no frequency). Disruption of this splice site has been observed in individual(s) with cerebral cavernous malformations (Invitae). ClinVar contains an entry for this variant (Variation ID: 1452406). Algorithms developed to predict the effect of sequence changes on RNA splicing suggest that this variant may disrupt the consensus splice site. For these reasons, this variant has been classified as Pathogenic.

Literature cited by the submitters: PubMed 16199547; PubMed 10508515; PubMed 11222804; PubMed 12404106; PubMed 24689081.

NM_194454.3(KRIT1):c.102+1G>A

Gene: KRIT1 (KRIT1 ankyrin repeat containing; minus strand). Cytogenetic location: 7q21.2.
Variant type: single nucleotide variant.
Coding change: c.102+1G>A on transcript NM_194454.3 (MANE Select); the canonical splice donor site of the intron after coding-DNA position 102, G replaced by A.
Molecular consequence: splice donor variant.
Genome position (GRCh38, 1-based): chr7:92,242,033, C>T on the plus strand (G>A on the coding strand, the complement: KRIT1 is on the minus strand). VCF-style: chr7-92242033-C-T. GRCh37 (hg19) VCF-style: chr7-91871347-C-T.
Other names: c.102+1G>A (NM_001350672.1, NM_001350676.1, NM_001350673.1 and 29 more transcripts); c.-482+1G>A (NM_001350671.1).
Identifiers: ClinVar variation 1452406 (VCV001452406.8), dbSNP rs2131773689, ClinGen allele CA368166964.